The following is an entry in ClinVar:

ClinVar aggregate classification (germline): Uncertain significance (1 of 4 stars; one submission).

Allele frequency attached by ClinVar (database versions not stated): gnomAD exomes below 0.00001.
gnomAD v4.1: 1 of 1,613,462 alleles (0.000062%); highest among the groups gnomAD compares: South Asian, 0.0011%; no homozygotes.

Submission:

Labcorp Genetics (formerly Invitae), Labcorp
Classification: Uncertain significance. Last evaluated: 2022-09-21. Review status: criteria provided, single submitter. Criteria: Invitae Variant Classification Sherloc (09022015). Collection method: clinical testing. Allele origin: germline.
Comment: In summary, the available evidence is currently insufficient to determine the role of this variant in disease. Therefore, it has been classified as a Variant of Uncertain Significance. Algorithms developed to predict the effect of missense changes on protein structure and function are either unavailable or do not agree on the potential impact of this missense change (SIFT: "Not Available"; PolyPhen-2: "Probably Damaging"; Align-GVGD: "Not Available"). This variant has not been reported in the literature in individuals affected with FN1-related conditions. This variant is not present in population databases (gnomAD no frequency). This sequence change replaces tryptophan, which is neutral and slightly polar, with cysteine, which is neutral and slightly polar, at codon 2419 of the FN1 protein (p.Trp2419Cys).

NM_212482.4(FN1):c.7257G>C (p.Trp2419Cys)

Genes: ATIC (5-aminoimidazole-4-carboxamide ribonucleotide formyltransferase/IMP cyclohydrolase; plus strand), FN1 (fibronectin 1; minus strand). Cytogenetic location: 2q35.
Variant type: single nucleotide variant.
Coding change: c.7257G>C on transcript NM_212482.4 (MANE Select); coding-DNA position 7257, G replaced by C.
Protein change: p.Trp2419Cys; replaces tryptophan 2419 with cysteine.
Molecular consequence: missense variant.
Genome position (GRCh38, 1-based): chr2:215,362,074, C>G on the plus strand (G>C on the coding strand, the complement: FN1 is on the minus strand). VCF-style: chr2-215362074-C-G. GRCh37 (hg19) VCF-style: chr2-216226797-C-G.
Other names: c.6816G>C, p.Trp2272Cys (NM_212478.3); c.7164G>C, p.Trp2388Cys (NM_001306129.2); c.6627G>C, p.Trp2209Cys (NM_001306130.2); c.6621G>C, p.Trp2207Cys (NM_001306131.2); c.6546G>C, p.Trp2182Cys (NM_001306132.2); c.6987G>C, p.Trp2329Cys (NM_001365517.2); c.6984G>C, p.Trp2328Cys (NM_001365518.2); c.6912G>C, p.Trp2304Cys (NM_001365519.2); and 8 more; short protein forms W2118C, W2182C, W2207C, W2208C, W2209C, W2213C, W2238C, W2272C.
Identifiers: ClinVar variation 1719977 (VCV001719977.5), dbSNP rs2469094574, ClinGen allele CA350461953.